The following is an entry in ClinVar:

ClinVar aggregate classification (germline): Benign/Likely benign. Review status: criteria provided, multiple submitters, no conflicts (2 of 4 stars). 8 submissions from 8 submitters: Benign (3); Likely benign (3). 2 of the submissions do not count toward it. Last evaluated 2026-01-18.

Conditions:
Nephronophthisis. Also called: Juvenile Nephronophthisis. Identifiers: Orphanet 655, MedGen C0687120, MONDO:0019005, HP:0000090.

Allele frequency attached by ClinVar (database versions not stated): gnomAD exomes 0.00035 and 0.00085; ExAC 0.00199; ESP Exome Variant Server 0.00363; gnomAD 0.00386 and 0.00408; TOPMed 0.00419; 1000 Genomes Project 0.00459; 1000 Genomes Project 30x 0.00515.

Submissions (8):

Labcorp Genetics (formerly Invitae), Labcorp
Classification: Benign for Nephronophthisis. Last evaluated: 2026-01-18. Review status: criteria provided, single submitter. Criteria: Invitae Variant Classification Sherloc (09022015). Collection method: clinical testing. Allele origin: germline.

Mayo Clinic Laboratories, Mayo Clinic
Classification: Benign. Last evaluated: 2025-08-27. Review status: criteria provided, single submitter. Criteria: ACMG Guidelines, 2015. Collection method: clinical testing. Allele origin: germline. Observed: 4 variant alleles.
Comment: BA1, BS2, BP4

Blueprint Genetics
Classification: Likely benign. Last evaluated: 2024-09-12. Review status: criteria provided, single submitter. Criteria: ACMG Guidelines, 2015. Collection method: clinical testing. Allele origin: germline.

Center for Pediatric Genomic Medicine, Children's Mercy Hospital and Clinics
Classification: Likely benign. Last evaluated: 2015-08-25. Review status: criteria provided, single submitter. Criteria: ACMG Guidelines, 2015. Collection method: clinical testing. Allele origin: germline.
ClinVar note: Converted during submission from Likely Benign to Likely benign.

Breakthrough Genomics
Classification: Likely benign. Review status: criteria provided, single submitter. Criteria: ACMG Guidelines, 2015. Collection method: not provided. Allele origin: germline. Inheritance: Autosomal recessive inheritance. Affected: yes.

PreventionGenetics, part of Exact Sciences
Classification: Benign. Review status: criteria provided, single submitter. Criteria: ACMG Guidelines, 2015. Collection method: clinical testing. Allele origin: germline.

Clinical Genetics, Academic Medical Center
Classification: Benign. Review status: no assertion criteria provided. Collection method: clinical testing. Allele origin: germline. Affected: yes. Study: VKGL Data-share Consensus. Not counted in ClinVar's aggregate classification.

Genome Diagnostics Laboratory, University Medical Center Utrecht
Classification: Benign. Review status: no assertion criteria provided. Collection method: clinical testing. Allele origin: germline. Affected: yes. Study: VKGL Data-share Consensus. Not counted in ClinVar's aggregate classification.

Literature cited by the submitters: PubMed 23167750 (cited by Mayo Clinic Laboratories, Mayo Clinic).

NM_015102.5(NPHP4):c.511G>A (p.Ala171Thr)

Gene: NPHP4 (nephrocystin 4; minus strand). Cytogenetic location: 1p36.31.
Variant type: single nucleotide variant.
Coding change: c.511G>A on transcript NM_015102.5 (MANE Select); coding-DNA position 511, G replaced by A.
Protein change: p.Ala171Thr; replaces alanine 171 with threonine.
Molecular consequence: missense variant. On other transcripts: 5 prime UTR variant (2), non-coding transcript variant (1).
Genome position (GRCh38, 1-based): chr1:5,967,305, C>T on the plus strand (G>A on the coding strand, the complement: NPHP4 is on the minus strand). VCF-style: chr1-5967305-C-T. GRCh37 (hg19) VCF-style: chr1-6027365-C-T.
Other names: p.Ala171Thr; c.-719G>A (NM_001291593.2); c.-856G>A (NM_001291594.2); short protein forms A171T.
Identifiers: ClinVar variation 235474 (VCV000235474.19), dbSNP rs113765431, ClinGen allele CA554828.